The following is an entry in ClinVar:

NM_004456.5(EZH2):c.1688C>T (p.Pro563Leu)

Gene: EZH2 (enhancer of zeste 2 polycomb repressive complex 2 subunit; minus strand). Cytogenetic location: 7q36.1.
Variant type: single nucleotide variant.
Coding change: c.1688C>T on transcript NM_004456.5 (MANE Select); coding-DNA position 1688, C replaced by T.
Protein change: p.Pro563Leu; replaces proline 563 with leucine.
Molecular consequence: missense variant.
Genome position (GRCh38, 1-based): chr7:148,814,122, G>A on the plus strand (C>T on the coding strand, the complement: EZH2 is on the minus strand). VCF-style: chr7-148814122-G-A. GRCh37 (hg19) VCF-style: chr7-148511214-G-A.
Other names: c.1673C>T, p.Pro558Leu (NM_001203247.2); c.1646C>T, p.Pro549Leu (NM_001203248.2); c.1520C>T, p.Pro507Leu (NM_001203249.2); c.1556C>T, p.Pro519Leu (NM_152998.3); short protein forms P507L, P519L, P549L, P558L, P563L.
Identifiers: ClinVar variation 3710544 (VCV003710544.3).
Genomic context (GRCh38, chr7:148,814,122, plus strand): 5'-CGGACAGCCAGGTAGCACGGGCACTGCTTGGTGTTGCACTGTGCTTTGCAGCGGCATCCC[G>A]GAAAGCGGTTTTGACCTTCAGAGAGAGGTTTGGAGGTTCTTCACTCATCACCGTATGCAA-3'
Protein context (NP_004447.2, residues 553-573): QCSSECQNRF[Pro563Leu]GCRCKAQCNT

ClinVar aggregate classification (germline): Uncertain significance. Review status: criteria provided, multiple submitters, no conflicts (2 of 4 stars). 2 submissions from 2 submitters: Uncertain significance (2). Last evaluated 2024-03-28.

Conditions:
Weaver syndrome (WVS). Also called: Weaver Smith syndrome; Overgrowth syndrome with accelerated skeletal maturation, unusual facies, and camptodactyly. Identifiers: Orphanet 3447, MedGen C0265210, MONDO:0010193, OMIM 277590.

gnomAD v4.1: 1 of 1,613,062 alleles (0.000062%); highest among the groups gnomAD compares: Non-Finnish European, 0.000085%; no homozygotes.

Submissions (2):

Labcorp Genetics (formerly Invitae), Labcorp
Classification: Uncertain significance for Weaver syndrome. Last evaluated: 2024-03-28. Review status: criteria provided, single submitter. Criteria: Invitae Variant Classification Sherloc (09022015). Collection method: clinical testing. Allele origin: germline.
Comment: This sequence change replaces proline, which is neutral and non-polar, with leucine, which is neutral and non-polar, at codon 563 of the EZH2 protein (p.Pro563Leu). This variant is not present in population databases (gnomAD no frequency). This variant has not been reported in the literature in individuals affected with EZH2-related conditions. Advanced modeling of protein sequence and biophysical properties (such as structural, functional, and spatial information, amino acid conservation, physicochemical variation, residue mobility, and thermodynamic stability) has been performed at Invitae for this missense variant, however the output from this modeling did not meet the statistical confidence thresholds required to predict the impact of this variant on EZH2 protein function. In summary, the available evidence is currently insufficient to determine the role of this variant in disease. Therefore, it has been classified as a Variant of Uncertain Significance.

Department of Pathology and Laboratory Medicine, Sinai Health System
Classification: Uncertain significance for Weaver syndrome. Last evaluated: 2021-07-30. Review status: criteria provided, single submitter. Criteria: ACMG Guidelines, 2015. Collection method: research. Allele origin: germline.